The following is an entry in ClinVar:

ClinVar aggregate classification (germline): Likely pathogenic. Review status: criteria provided, single submitter (1 of 4 stars). 2 submissions from 2 submitters: Likely pathogenic (1). 1 of the submissions does not count toward it. Last evaluated 2025-03-22.

Conditions:
Berardinelli-Seip congenital lipodystrophy. Identifiers: Orphanet 528, MedGen CN262437, MONDO:0018883.
BSCL2-related disorder. Also called: BSCL2-related condition; BSCL2-Related Disorders.

Submissions (2):

PreventionGenetics, part of Exact Sciences
Classification: Likely pathogenic for BSCL2-related condition. Last evaluated: 2025-03-22. Review status: criteria provided, single submitter. Criteria: ACMG Guidelines, 2015. Collection method: clinical testing. Allele origin: germline.
Comment: The BSCL2 c.876C>G variant is predicted to result in premature protein termination (p.Tyr292*). In an alternate transcript (NM_032667.6), this variant has been documented as c.684C>G (p.Tyr228*). This variant has been reported in the homozygous state in a patient with congenital generalized lipodystrophy (variant referred to as L227X in Agarwal et al. 2003. PubMed ID: 14557463). To our knowledge, this variant has not been reported in a large population database (gnomAD), indicating this variant is rare. Nonsense variants in BSCL2 are expected to be pathogenic. This variant is interpreted as likely pathogenic.

Inherited Neuropathy Consortium Ii, University Of Miami
Classification: Uncertain significance for Berardinelli-Seip congenital lipodystrophy. Last evaluated: 2016-01-06. Review status: no assertion criteria provided. Collection method: literature only. Allele origin: germline. Affected: yes. Not counted in ClinVar's aggregate classification.

Literature cited by the submitters: PubMed 19226263 (cited by Inherited Neuropathy Consortium Ii, University Of Miami).

NM_001122955.4(BSCL2):c.876C>G (p.Tyr292Ter)

Genes: BSCL2 (BSCL2 lipid droplet biogenesis associated, seipin; minus strand), HNRNPUL2-BSCL2 (HNRNPUL2-BSCL2 readthrough (NMD candidate); minus strand). Cytogenetic location: 11q12.3.
Variant type: single nucleotide variant.
Coding change: c.876C>G on transcript NM_001122955.4 (MANE Select); coding-DNA position 876, C replaced by G.
Protein change: p.Tyr292Ter; replaces tyrosine 292 with a stop codon.
Molecular consequence: nonsense. On other transcripts: non-coding transcript variant (1), intron variant (1).
Genome position (GRCh38, 1-based): chr11:62,691,409, G>C on the plus strand (C>G on the coding strand, the complement: BSCL2 is on the minus strand). VCF-style: chr11-62691409-G-C. GRCh37 (hg19) VCF-style: chr11-62458881-G-C.
Other names: c.876C>G, p.Tyr292Ter (NM_001386027.1, NM_001386028.1); c.684C>G, p.Tyr228Ter (NM_032667.6); c.672-268C>G (NM_001130702.2); short protein forms Y228*, Y292*.
Identifiers: ClinVar variation 2571531 (VCV002571531.2), dbSNP rs2539146245, ClinGen allele CA380960320.